The following is an entry in ClinVar:

ClinVar aggregate classification (germline): Uncertain significance (1 of 4 stars; one submission).

Conditions:
Fabry disease. Also called: ALPHA-GALACTOSIDASE A DEFICIENCY; ANDERSON-FABRY DISEASE; CERAMIDE TRIHEXOSIDASE DEFICIENCY; GLA DEFICIENCY; HEREDITARY DYSTOPIC LIPIDOSIS; Angiokeratoma corporis diffusum. Identifiers: Orphanet 324, MedGen C0002986, MONDO:0010526, OMIM 301500, HP:0001071. Disease mechanism: Fabry disease is due to inactivating mutations in the X-linked GLA gene resulting in deficiency of the enzyme Alpha Galactosidase-A., loss of function.

Submission:

Genomenon, Inc
Classification: Uncertain significance for Fabry disease. Last evaluated: 2026-09-08. Review status: criteria provided, single submitter. Criteria: Genomenon Sequence Variant Interpretation Standards - Updated. Collection method: curation. Allele origin: germline. Affected: yes.
Comment: GLA p.Arg404Lys (c.1211G>A) is a missense variant that changes the amino acid at codon 404 from Arginine to Lysine. This variant has been observed in at least one proband with clinical features consistent with Fabry disease (PMID:38002959). Functional or patient cell studies have been reported (PMID:39468034). It is absent or not present at a significant frequency in gnomAD. In silico models predict that this variant is not damaging. In conclusion, we classify GLA p.Arg404Lys (c.1211G>A) as a variant of uncertain significance.

Literature cited by the submitters: PubMed 38002959; PubMed 39468034.

NM_000169.3(GLA):c.1211G>A (p.Arg404Lys)

Genes: GLA (galactosidase alpha; minus strand), RPL36A-HNRNPH2 (RPL36A-HNRNPH2 readthrough; plus strand). Cytogenetic location: Xq22.1.
Variant type: single nucleotide variant.
Coding change: c.1211G>A on transcript NM_000169.3 (MANE Select); coding-DNA position 1211, G replaced by A.
Protein change: p.Arg404Lys; replaces arginine 404 with lysine.
Molecular consequence: missense variant. On other transcripts: non-coding transcript variant (3), intron variant (2).
Genome position (GRCh38, 1-based): chrX:101,397,888, C>T on the plus strand (G>A on the coding strand, the complement: GLA is on the minus strand). VCF-style: chrX-101397888-C-T. GRCh37 (hg19) VCF-style: chrX-100652876-C-T.
Other names: c.1334G>A, p.Arg445Lys (NM_001406747.1); c.300+2431C>T (NM_001199973.2); c.177+6066C>T (NM_001199974.2); short protein forms R404K, R445K.
Identifiers: ClinVar variation 4087658 (VCV004087658.2).